The following is an entry in ClinVar:

NM_004782.4(SNAP29):c.434+6T>G

Gene: SNAP29 (synaptosome associated protein 29; plus strand). Cytogenetic location: 22q11.21.
Variant type: single nucleotide variant.
Coding change: c.434+6T>G on transcript NM_004782.4 (MANE Select); 6 bases into the intron after coding-DNA position 434, T replaced by G.
Molecular consequence: intron variant.
Genome position (GRCh38, 1-based): chr22:20,870,539, T>G. VCF-style: chr22-20870539-T-G. GRCh37 (hg19) VCF-style: chr22-21224827-T-G.
Identifiers: ClinVar variation 2021039 (VCV002021039.4), dbSNP rs2518511923, ClinGen allele CA2580099145.
Genomic context (GRCh38, chr22:20,870,539, plus strand): 5'-CAGTAGAGACCCCACCTGAACAGAATGGCACCCTCACCTCCCAGCCCAACAACAGGTGAG[T>G]GCATCTTCTACCATCTGGGTATAAAGGAGCAGAAGTGGGGATTAGTGCAAATGACCAAGA-3'

ClinVar aggregate classification (germline): Uncertain significance (1 of 4 stars; one submission).

Submission:

Labcorp Genetics (formerly Invitae), Labcorp
Classification: Uncertain significance. Last evaluated: 2022-08-09. Review status: criteria provided, single submitter. Criteria: Invitae Variant Classification Sherloc (09022015). Collection method: clinical testing. Allele origin: germline.
Comment: In summary, the available evidence is currently insufficient to determine the role of this variant in disease. Therefore, it has been classified as a Variant of Uncertain Significance. Variants that disrupt the consensus splice site are a relatively common cause of aberrant splicing (PMID: 17576681, 9536098). Algorithms developed to predict the effect of sequence changes on RNA splicing suggest that this variant is not likely to affect RNA splicing. This variant has not been reported in the literature in individuals affected with SNAP29-related conditions. This variant is not present in population databases (gnomAD no frequency). This sequence change falls in intron 2 of the SNAP29 gene. It does not directly change the encoded amino acid sequence of the SNAP29 protein. It affects a nucleotide within the consensus splice site.

Literature cited by the submitters: PubMed 17576681; PubMed 9536098.